The following is an entry in ClinVar:

NM_005633.4(SOS1):c.2339_2354del (p.His780fs)

Gene: SOS1 (SOS Ras/Rac guanine nucleotide exchange factor 1; minus strand). Cytogenetic location: 2p22.1.
Variant type: Deletion.
Coding change: c.2339_2354del on transcript NM_005633.4 (MANE Select); coding-DNA positions 2339 to 2354, 16 bases deleted (ACCCAATAGAAATTGC).
Protein change: p.His780fs; shifts the reading frame from histidine 780.
Molecular consequence: frameshift variant.
Genome position (GRCh38, 1-based): chr2:39,012,162-39,012,177, GCAATTTCTATTGGGT deleted on the plus strand (ACCCAATAGAAATTGC on the coding strand, the reverse complement: SOS1 is on the minus strand); deleting any 16 consecutive bases within chr2:39,012,162-39,012,178 gives the same sequence; the c. name uses the placement nearest the transcript's 3' end. VCF-style (leftmost placement, unchanged base first): chr2-39012161-AGCAATTTCTATTGGGT-A. GRCh37 (hg19) VCF-style: chr2-39239302-AGCAATTTCTATTGGGT-A.
Other names: c.2318_2333del, p.His773fs (NM_001382394.1); c.2339_2354del, p.His780fs (NM_001382395.1); short protein forms H773fs, H780fs.
Identifiers: ClinVar variation 1510480 (VCV001510480.6), dbSNP rs2124514866, ClinGen allele CA2573134605.

ClinVar aggregate classification (germline): Uncertain significance (1 of 4 stars; one submission).

Conditions:
RASopathy. Also called: Noonan spectrum disorder; rasopathies. Identifiers: Orphanet 536391, MedGen C5555857, MONDO:0021060.

Submission:

Labcorp Genetics (formerly Invitae), Labcorp
Classification: Uncertain significance for RASopathy. Last evaluated: 2021-10-11. Review status: criteria provided, single submitter. Criteria: Invitae Variant Classification Sherloc (09022015). Collection method: clinical testing. Allele origin: germline.
Comment: In summary, the available evidence is currently insufficient to determine the role of this variant in disease. Therefore, it has been classified as a Variant of Uncertain Significance. This variant has not been reported in the literature in individuals affected with SOS1-related conditions. This variant is not present in population databases (ExAC no frequency). This sequence change creates a premature translational stop signal (p.His780Leufs*20) in the SOS1 gene. It is expected to result in an absent or disrupted protein product. However, the current clinical and genetic evidence is not sufficient to establish whether loss-of-function variants in SOS1 cause disease.